The following is an entry in ClinVar:

NM_002618.4(PEX13):c.1019G>C (p.Arg340Thr)

Gene: PEX13 (peroxisomal biogenesis factor 13; plus strand). Cytogenetic location: 2p15.
Variant type: single nucleotide variant.
Coding change: c.1019G>C on transcript NM_002618.4 (MANE Select); coding-DNA position 1019, G replaced by C.
Protein change: p.Arg340Thr; replaces arginine 340 with threonine.
Molecular consequence: missense variant.
Genome position (GRCh38, 1-based): chr2:61,048,577, G>C. VCF-style: chr2-61048577-G-C. GRCh37 (hg19) VCF-style: chr2-61275712-G-C.
Other names: short protein forms R340T.
Identifiers: ClinVar variation 1423133 (VCV001423133.5), dbSNP rs755008779, ClinGen allele CA1673415.

ClinVar aggregate classification (germline): Uncertain significance (1 of 4 stars; one submission).

Conditions:
Peroxisome biogenesis disorder 11A (Zellweger). Also called: Peroxisome biogenesis disorder 11A. Identifiers: Orphanet 912, MedGen C3554000, MONDO:0013949, OMIM 614883.

Allele frequency attached by ClinVar (database versions not stated): TOPMed below 0.00001; ExAC 0.00001; gnomAD 0.00001.
gnomAD v4.1: 8 of 1,613,988 alleles (0.0005%); highest among the groups gnomAD compares: Admixed American, 0.0017%; no homozygotes.

Submission:

Labcorp Genetics (formerly Invitae), Labcorp
Classification: Uncertain significance for Peroxisome biogenesis disorder 11A (Zellweger). Last evaluated: 2024-10-24. Review status: criteria provided, single submitter. Criteria: Invitae Variant Classification Sherloc (09022015). Collection method: clinical testing. Allele origin: germline.
Comment: This sequence change replaces arginine, which is basic and polar, with threonine, which is neutral and polar, at codon 340 of the PEX13 protein (p.Arg340Thr). This variant is present in population databases (rs755008779, gnomAD 0.003%). This variant has not been reported in the literature in individuals affected with PEX13-related conditions. ClinVar contains an entry for this variant (Variation ID: 1423133). Invitae Evidence Modeling of protein sequence and biophysical properties (such as structural, functional, and spatial information, amino acid conservation, physicochemical variation, residue mobility, and thermodynamic stability) indicates that this missense variant is not expected to disrupt PEX13 protein function with a negative predictive value of 80%. In summary, the available evidence is currently insufficient to determine the role of this variant in disease. Therefore, it has been classified as a Variant of Uncertain Significance.